The following is an entry in ClinVar:

ClinVar aggregate classification (germline): Conflicting classifications of pathogenicity. Review status: criteria provided, conflicting classifications (1 of 4 stars). 3 submissions from 3 submitters: Uncertain significance (1); Likely benign (2). Last evaluated 2025-11-10.

Conditions:
DIABLO-related disorder. Also called: DIABLO-related condition.

Allele frequency attached by ClinVar (database versions not stated): ExAC 0.00012; 1000 Genomes Project 30x 0.00016; 1000 Genomes Project 0.00020; gnomAD 0.00003; TOPMed 0.00003.
gnomAD v4.1: 42 of 1,614,134 alleles (0.0026%); highest among the groups gnomAD compares: Admixed American, 0.07%; no homozygotes.

Submissions (3):

Labcorp Genetics (formerly Invitae), Labcorp
Classification: Likely benign. Last evaluated: 2025-11-10. Review status: criteria provided, single submitter. Criteria: Invitae Variant Classification Sherloc (09022015). Collection method: clinical testing. Allele origin: germline.

PreventionGenetics, part of Exact Sciences
Classification: Likely benign for DIABLO-related condition. Last evaluated: 2025-09-04. Review status: criteria provided, single submitter. Criteria: ACMG Guidelines, 2015. Collection method: clinical testing. Allele origin: germline.
Comment: This variant is classified as likely benign based on ACMG/AMP sequence variant interpretation guidelines (Richards et al. 2015 PMID: 25741868, with internal and published modifications).

Ambry Genetics
Classification: Uncertain significance. Last evaluated: 2025-03-26. Review status: criteria provided, single submitter. Criteria: Ambry Variant Classification Scheme 2023. Collection method: clinical testing. Allele origin: germline.

NM_001371333.1(DIABLO):c.59A>C (p.Gln20Pro)

Gene: DIABLO (diablo IAP-binding mitochondrial protein; minus strand). Cytogenetic location: 12q24.31.
Variant type: single nucleotide variant.
Coding change: c.59A>C on transcript NM_001371333.1 (MANE Select); coding-DNA position 59, A replaced by C.
Protein change: p.Gln20Pro; replaces glutamine 20 with proline.
Molecular consequence: missense variant. On other transcripts: intron variant (4).
Genome position (GRCh38, 1-based): chr12:122,224,636, T>G on the plus strand (A>C on the coding strand, the complement: DIABLO is on the minus strand). VCF-style: chr12-122224636-T-G. GRCh37 (hg19) VCF-style: chr12-122709183-T-G.
Other names: c.59A>C, p.Gln20Pro (NM_001278342.1, NM_019887.6); c.-37+1329A>C (NM_001278303.1); c.24+9A>C (NM_001278302.1, NM_138930.3, NM_001278304.2); c.59A>C (NM_019887.5); short protein forms Q20P.
Identifiers: ClinVar variation 2355950 (VCV002355950.7), dbSNP rs201330335, ClinGen allele CA6844036.
Genomic context (GRCh38, chr12:122,224,636, plus strand): 5'-CTTATCAATTCTGAGAAACACCGCTTCTTAAAGTTAGCCACAACAGGAACACACAAACAC[T>G]GTCTGTACCTGGAAGTAGAAGTCAGATTTCATAAGGCACGACCGCCAATCTGTAACAGGC-3'
Protein context (NP_001358262.1, residues 10-30): RSVTSFFRYR[Gln20Pro]CLCVPVVANF